The following is an entry in ClinVar:

NM_001852.4(COL9A2):c.1927C>T (p.Pro643Ser)

Gene: COL9A2 (collagen type IX alpha 2 chain; minus strand). Cytogenetic location: 1p34.2.
Variant type: single nucleotide variant.
Coding change: c.1927C>T on transcript NM_001852.4 (MANE Select); coding-DNA position 1927, C replaced by T.
Protein change: p.Pro643Ser; replaces proline 643 with serine.
Molecular consequence: missense variant.
Genome position (GRCh38, 1-based): chr1:40,301,325, G>A on the plus strand (C>T on the coding strand, the complement: COL9A2 is on the minus strand). VCF-style: chr1-40301325-G-A. GRCh37 (hg19) VCF-style: chr1-40766997-G-A.
Other names: short protein forms P643S.
Identifiers: ClinVar variation 4747947 (VCV004747947.1).

ClinVar aggregate classification (germline): Uncertain significance (1 of 4 stars; one submission).

Submission:

Labcorp Genetics (formerly Invitae), Labcorp
Classification: Uncertain significance. Last evaluated: 2025-11-15. Review status: criteria provided, single submitter. Criteria: Invitae Variant Classification Sherloc (09022015). Collection method: clinical testing. Allele origin: germline.
Comment: This sequence change replaces proline, which is neutral and non-polar, with serine, which is neutral and polar, at codon 643 of the COL9A2 protein (p.Pro643Ser). This variant is not present in population databases (gnomAD no frequency). This variant has not been reported in the literature in individuals affected with COL9A2-related conditions. Invitae Evidence Modeling of protein sequence and biophysical properties (such as structural, functional, and spatial information, amino acid conservation, physicochemical variation, residue mobility, and thermodynamic stability) indicates that this missense variant is not expected to disrupt COL9A2 protein function with a negative predictive value of 95%. In summary, the available evidence is currently insufficient to determine the role of this variant in disease. Therefore, it has been classified as a Variant of Uncertain Significance.